The following is an entry in ClinVar:

NM_001378454.1(ALMS1):c.12363-18A>C

Gene: ALMS1 (ALMS1 centrosome and basal body associated protein; plus strand). Cytogenetic location: 2p13.1.
Variant type: single nucleotide variant.
Coding change: c.12363-18A>C on transcript NM_001378454.1 (MANE Select); 18 bases into the intron before coding-DNA position 12363, A replaced by C.
Molecular consequence: intron variant.
Genome position (GRCh38, 1-based): chr2:73,608,457, A>C. VCF-style: chr2-73608457-A-C. GRCh37 (hg19) VCF-style: chr2-73835584-A-C.
Other names: c.12363-18A>C (NM_015120.4).
Identifiers: ClinVar variation 1169488 (VCV001169488.37), dbSNP rs199968770, ClinGen allele CA1715562.

ClinVar aggregate classification (germline): Benign/Likely benign. Review status: criteria provided, multiple submitters, no conflicts (2 of 4 stars). 4 submissions from 4 submitters: Benign (2); Likely benign (2). Last evaluated 2026-03-01.

Conditions:
Alstrom syndrome (ALMS). Identifiers: Orphanet 64, MedGen C0268425, MONDO:0008763, OMIM 203800.

Allele frequency attached by ClinVar (database versions not stated): gnomAD 0.00003 and 0.00050; ESP Exome Variant Server 0.00008; TOPMed 0.00010; gnomAD exomes 0.00081 and 0.00153; ExAC 0.00165; 1000 Genomes Project 0.00260; 1000 Genomes Project 30x 0.00265.
gnomAD v4.1: 1,283 of 1,603,282 alleles (0.08%); highest among the groups gnomAD compares: South Asian, 1.2%; 24 homozygotes.

Submissions (4):

CeGaT Center for Human Genetics Tuebingen
Classification: Benign. Last evaluated: 2026-03-01. Review status: criteria provided, single submitter. Criteria: CeGaT Center For Human Genetics Tuebingen Variant Classification Criteria Version 2. Collection method: clinical testing. Allele origin: germline. Affected: yes. Observed: 3 variant alleles.
Comment: ALMS1: BS1, BS2

Labcorp Genetics (formerly Invitae), Labcorp
Classification: Benign for Alstrom syndrome. Last evaluated: 2026-01-28. Review status: criteria provided, single submitter. Criteria: Invitae Variant Classification Sherloc (09022015). Collection method: clinical testing. Allele origin: germline.

Fulgent Genetics
Classification: Likely benign for Alstrom syndrome. Last evaluated: 2021-12-29. Review status: criteria provided, single submitter. Criteria: ACMG Guidelines, 2015. Collection method: clinical testing. Allele origin: unknown.

GeneDx
Classification: Likely benign. Last evaluated: 2019-04-20. Review status: criteria provided, single submitter. Criteria: GeneDx Variant Classification Process June 2021. Collection method: clinical testing. Allele origin: germline. Affected: yes.